The following is an entry in ClinVar:

ClinVar aggregate classification (germline): Uncertain significance (1 of 4 stars; one submission).

Submission:

Labcorp Genetics (formerly Invitae), Labcorp
Classification: Uncertain significance. Last evaluated: 2022-06-04. Review status: criteria provided, single submitter. Criteria: Invitae Variant Classification Sherloc (09022015). Collection method: clinical testing. Allele origin: germline.
Comment: This sequence change replaces lysine, which is basic and polar, with glutamic acid, which is acidic and polar, at codon 313 of the EFL1 protein (p.Lys313Glu). In summary, the available evidence is currently insufficient to determine the role of this variant in disease. Therefore, it has been classified as a Variant of Uncertain Significance. Algorithms developed to predict the effect of missense changes on protein structure and function (SIFT, PolyPhen-2, Align-GVGD) all suggest that this variant is likely to be tolerated. This variant has not been reported in the literature in individuals affected with EFL1-related conditions. This variant is not present in population databases (gnomAD no frequency).

NM_024580.6(EFL1):c.937A>G (p.Lys313Glu)

Gene: EFL1 (elongation factor like GTPase 1; minus strand). Cytogenetic location: 15q25.2.
Variant type: single nucleotide variant.
Coding change: c.937A>G on transcript NM_024580.6 (MANE Select); coding-DNA position 937, A replaced by G.
Protein change: p.Lys313Glu; replaces lysine 313 with glutamic acid.
Molecular consequence: missense variant. On other transcripts: non-coding transcript variant (1).
Genome position (GRCh38, 1-based): chr15:82,228,323, T>C on the plus strand (A>G on the coding strand, the complement: EFL1 is on the minus strand). VCF-style: chr15-82228323-T-C. GRCh37 (hg19) VCF-style: chr15-82520664-T-C.
Other names: c.784A>G, p.Lys262Glu (NM_001040610.3); c.148A>G, p.Lys50Glu (NM_001322844.2); c.937A>G, p.Lys313Glu (NM_001322845.2); short protein forms K262E, K313E, K50E.
Identifiers: ClinVar variation 2135131 (VCV002135131.4), dbSNP rs2141313081, ClinGen allele CA393277823.